The following is an entry in ClinVar:

NM_000632.4(ITGAM):c.1915A>T (p.Asn639Tyr)

Gene: ITGAM (integrin subunit alpha M; plus strand). Cytogenetic location: 16p11.2.
Variant type: single nucleotide variant.
Coding change: c.1915A>T on transcript NM_000632.4 (MANE Select); coding-DNA position 1915, A replaced by T.
Protein change: p.Asn639Tyr; replaces asparagine 639 with tyrosine.
Molecular consequence: missense variant.
Genome position (GRCh38, 1-based): chr16:31,321,540, A>T. VCF-style: chr16-31321540-A-T. GRCh37 (hg19) VCF-style: chr16-31332861-A-T.
Other names: c.1918A>T, p.Asn640Tyr (NM_001145808.2); short protein forms N640Y, N639Y.
Identifiers: ClinVar variation 2133606 (VCV002133606.4), dbSNP rs2544489138, ClinGen allele CA395682129.

ClinVar aggregate classification (germline): Uncertain significance (1 of 4 stars; one submission).

Submission:

Labcorp Genetics (formerly Invitae), Labcorp
Classification: Uncertain significance. Last evaluated: 2022-05-04. Review status: criteria provided, single submitter. Criteria: Invitae Variant Classification Sherloc (09022015). Collection method: clinical testing. Allele origin: germline.
Comment: In summary, the available evidence is currently insufficient to determine the role of this variant in disease. Therefore, it has been classified as a Variant of Uncertain Significance. This variant is not present in population databases (gnomAD no frequency). This sequence change replaces asparagine, which is neutral and polar, with tyrosine, which is neutral and polar, at codon 639 of the ITGAM protein (p.Asn639Tyr). Algorithms developed to predict the effect of missense changes on protein structure and function (SIFT, PolyPhen-2, Align-GVGD) all suggest that this variant is likely to be tolerated. This variant has not been reported in the literature in individuals affected with ITGAM-related conditions.